The following is an entry in ClinVar:

ClinVar aggregate classification (germline): Uncertain significance (1 of 4 stars; one submission).

Allele frequency attached by ClinVar (database versions not stated): TOPMed below 0.00001.

Submission:

GeneDx
Classification: Uncertain significance. Last evaluated: 2017-06-07. Review status: criteria provided, single submitter. Criteria: GeneDx Variant Classification (06012015). Collection method: clinical testing. Allele origin: germline. Affected: yes.
Comment: The V2176G variant of uncertain significance in the DSP gene has not been published as pathogenic or been reported as benign to our knowledge. This variant was not observed in large population cohorts (Lek et al., 2016; 1000 Genomes Consortium et al., 2015; Exome Variant Server), indicating it is not a common benign variant. However, the V2176G variant is a conservative amino acid substitution, which is not likely to impact secondary protein structure as these residues share similar properties and this substitution occurs at a position that is not conserved across species. Finally, two of three in silico analysis algorithms predict this variant likely does not alter the protein structure/function. Nonetheless, based on the currently available information, it is unclear whether this variant is pathogenic or rare benign.

NM_004415.4(DSP):c.6527T>G (p.Val2176Gly)

Gene: DSP (desmoplakin; plus strand). Cytogenetic location: 6p24.3.
Variant type: single nucleotide variant.
Coding change: c.6527T>G on transcript NM_004415.4 (MANE Select); coding-DNA position 6527, T replaced by G.
Protein change: p.Val2176Gly; replaces valine 2176 with glycine.
Molecular consequence: missense variant.
Genome position (GRCh38, 1-based): chr6:7,583,789, T>G. VCF-style: chr6-7583789-T-G. GRCh37 (hg19) VCF-style: chr6-7584022-T-G.
Other names: c.6527T>G (LRG_423t1); c.4730T>G, p.Val1577Gly (NM_001008844.3); c.5198T>G, p.Val1733Gly (NM_001319034.2); short protein forms V2176G, V1733G, V1577G.
Identifiers: ClinVar variation 432556 (VCV000432556.2), dbSNP rs1257672827, ClinGen allele CA362690985.